The following is an entry in ClinVar:

NM_000346.4(SOX9):c.312C>G (p.His104Gln)

Genes: SOX9 (SRY-box transcription factor 9; plus strand), LOC108021846 (SOX9 promoter region; plus strand). Cytogenetic location: 17q24.3.
Variant type: single nucleotide variant.
Coding change: c.312C>G on transcript NM_000346.4 (MANE Select); coding-DNA position 312, C replaced by G.
Protein change: p.His104Gln; replaces histidine 104 with glutamine.
Molecular consequence: missense variant.
Genome position (GRCh38, 1-based): chr17:72,121,703, C>G. VCF-style: chr17-72121703-C-G. GRCh37 (hg19) VCF-style: chr17-70117844-C-G.
Other names: short protein forms H104Q.
Identifiers: ClinVar variation 4799038 (VCV004799038.1).
Genomic context (GRCh38, chr17:72,121,703, plus strand): 5'-CGACTGGACGCTGGTGCCCATGCCGGTGCGCGTCAACGGCTCCAGCAAGAACAAGCCGCA[C>G]GTCAAGCGGCCCATGAACGCCTTCATGGTGTGGGCGCAGGCGGCGCGCAGGAAGCTCGCG-3'
Protein context (NP_000337.1, residues 94-114): RVNGSSKNKP[His104Gln]VKRPMNAFMV

ClinVar aggregate classification (germline): Uncertain significance (1 of 4 stars; one submission).

Conditions:
Camptomelic dysplasia (CMPD). Also called: Campomelic Dysplasia; CMPD1/SRA1. Identifiers: Orphanet 140, MedGen C1861922, MONDO:0007251, OMIM 114290.

Submission:

Labcorp Genetics (formerly Invitae), Labcorp
Classification: Uncertain significance for Camptomelic dysplasia. Last evaluated: 2025-02-27. Review status: criteria provided, single submitter. Criteria: Invitae Variant Classification Sherloc (09022015). Collection method: clinical testing. Allele origin: germline.
Comment: This sequence change replaces histidine, which is basic and polar, with glutamine, which is neutral and polar, at codon 104 of the SOX9 protein (p.His104Gln). This variant is not present in population databases (gnomAD no frequency). This variant has not been reported in the literature in individuals affected with SOX9-related conditions. Invitae Evidence Modeling of protein sequence and biophysical properties (such as structural, functional, and spatial information, amino acid conservation, physicochemical variation, residue mobility, and thermodynamic stability) indicates that this missense variant is expected to disrupt SOX9 protein function with a positive predictive value of 95%. In summary, the available evidence is currently insufficient to determine the role of this variant in disease. Therefore, it has been classified as a Variant of Uncertain Significance.